The following is an entry in ClinVar:

ClinVar aggregate classification (germline): Likely benign. Review status: criteria provided, multiple submitters, no conflicts (2 of 4 stars). 5 submissions from 5 submitters: Likely benign (5). Last evaluated 2025-12-02.

Conditions:
LRSAM1-related disorder. Also called: LRSAM1-related condition.
Inborn genetic diseases. Identifiers: MedGen C0950123, MeSH D030342.
Charcot-Marie-Tooth disease axonal type 2P. Also called: CHARCOT-MARIE-TOOTH NEUROPATHY, TYPE 2P; CHARCOT-MARIE-TOOTH DISEASE, AXONAL, TYPE 2G; CMT 2G; Charcot-Marie-Tooth Neuropathy Type 2G. Identifiers: Orphanet 300319, Orphanet 99941, MedGen C3280797, MONDO:0013753, OMIM 614436.

Allele frequency attached by ClinVar (database versions not stated): gnomAD exomes 0.00007 and 0.00012; ExAC 0.00012; gnomAD 0.00028 and 0.00029; TOPMed 0.00047; 1000 Genomes Project 0.00060; 1000 Genomes Project 30x 0.00062.
gnomAD v4.1: 152 of 1,613,934 alleles (0.0094%); highest among the groups gnomAD compares: Admixed American, 0.11%; no homozygotes.

Submissions (5):

Labcorp Genetics (formerly Invitae), Labcorp
Classification: Likely benign for Charcot-Marie-Tooth disease axonal type 2P. Last evaluated: 2025-12-02. Review status: criteria provided, single submitter. Criteria: Invitae Variant Classification Sherloc (09022015). Collection method: clinical testing. Allele origin: germline.

PreventionGenetics, part of Exact Sciences
Classification: Likely benign for LRSAM1-related condition. Last evaluated: 2025-05-14. Review status: criteria provided, single submitter. Criteria: ACMG Guidelines, 2015. Collection method: clinical testing. Allele origin: germline.
Comment: This variant is classified as likely benign based on ACMG/AMP sequence variant interpretation guidelines (Richards et al. 2015 PMID: 25741868, with internal and published modifications).

Ambry Genetics
Classification: Likely benign for Inborn genetic diseases. Last evaluated: 2019-07-11. Review status: criteria provided, single submitter. Criteria: Ambry Variant Classification Scheme 2023. Collection method: clinical testing. Allele origin: germline.

GeneDx
Classification: Likely benign. Last evaluated: 2018-10-17. Review status: criteria provided, single submitter. Criteria: GeneDx Variant Classification Process June 2021. Collection method: clinical testing. Allele origin: germline. Affected: yes.

Illumina Laboratory Services, Illumina
Classification: Likely benign for Charcot-Marie-Tooth disease axonal type 2P. Last evaluated: 2018-01-12. Review status: criteria provided, single submitter. Criteria: ICSL Variant Classification Criteria 13 December 2019. Collection method: clinical testing. Allele origin: germline.
Comment: This variant was observed in the ICSL laboratory as part of a predisposition screen in an ostensibly healthy population. It had not been previously curated by ICSL or reported in the Human Gene Mutation Database (HGMD: prior to June 1st, 2018), and was therefore a candidate for classification through an automated scoring system. Utilizing variant allele frequency, disease prevalence and penetrance estimates, and inheritance mode, an automated score was calculated to assess if this variant is too frequent to cause the disease. Based on the score and internal cut-off values, a variant classified as likely benign is not then subjected to further curation. The score for this variant resulted in a classification of likely benign for this disease.

NM_001005373.4(LRSAM1):c.1950G>A (p.Thr650=)

Gene: LRSAM1 (leucine rich repeat and sterile alpha motif containing 1; plus strand). Cytogenetic location: 9q34.11.
Variant type: single nucleotide variant.
Coding change: c.1950G>A on transcript NM_001005373.4 (MANE Select); coding-DNA position 1950, G replaced by A.
Protein change: p.Thr650=; no amino-acid change (threonine 650 retained).
Molecular consequence: synonymous variant. On other transcripts: non-coding transcript variant (2).
Genome position (GRCh38, 1-based): chr9:127,501,047, G>A. VCF-style: chr9-127501047-G-A. GRCh37 (hg19) VCF-style: chr9-130263326-G-A.
Other names: c.1950G>A, p.Thr650= (NM_001005374.4, NM_001384142.1, NM_138361.5); c.1869G>A, p.Thr623= (NM_001190723.3); c.1851G>A, p.Thr617= (NM_001384143.1); c.1161G>A, p.Thr387= (NM_001384144.1); c.1950G>A (NM_138361.4).
Identifiers: ClinVar variation 365034 (VCV000365034.19), dbSNP rs199887448, ClinGen allele CA5247209.